The following is an entry in ClinVar:

NM_005228.5(EGFR):c.826C>G (p.Gln276Glu)

Gene: EGFR (epidermal growth factor receptor; plus strand). Cytogenetic location: 7p11.2.
Variant type: single nucleotide variant.
Coding change: c.826C>G on transcript NM_005228.5 (MANE Select); coding-DNA position 826, C replaced by G.
Protein change: p.Gln276Glu; replaces glutamine 276 with glutamic acid.
Molecular consequence: missense variant. On other transcripts: intron variant (1).
Genome position (GRCh38, 1-based): chr7:55,154,089, C>G. VCF-style: chr7-55154089-C-G. GRCh37 (hg19) VCF-style: chr7-55221782-C-G.
Other names: c.691C>G, p.Gln231Glu (NM_001346897.2, NM_001346899.2); c.826C>G, p.Gln276Glu (NM_001346898.2, NM_201282.2, NM_201283.2 and 1 more transcripts); c.667C>G, p.Gln223Glu (NM_001346900.2); c.89-1741C>G (NM_001346941.2); short protein forms Q223E, Q276E, Q231E.
Identifiers: ClinVar variation 5035786 (VCV005035786.1).

ClinVar aggregate classification (germline): Uncertain significance (1 of 4 stars; one submission).

Conditions:
Hereditary cancer-predisposing syndrome. Also called: Hereditary Cancer Syndrome; Neoplastic Syndromes, Hereditary; Tumor predisposition; Hereditary neoplastic syndrome. Identifiers: Orphanet 140162, MedGen C0027672, MeSH D009386, MONDO:0015356.

Submission:

Ambry Genetics
Classification: Uncertain significance for Hereditary cancer-predisposing syndrome. Last evaluated: 2026-07-07. Review status: criteria provided, single submitter. Criteria: Ambry Variant Classification Scheme 2023. Collection method: clinical testing. Allele origin: germline.
Comment: The p.Q276E variant (also known as c.826C>G), located in coding exon 7 of the EGFR gene, results from a C to G substitution at nucleotide position 826. The glutamine at codon 276 is replaced by glutamic acid, an amino acid with highly similar properties. This amino acid position is conserved. In addition, this alteration is predicted to be tolerated by in silico analysis. Based on the available evidence, the clinical significance of this variant remains unclear.